The following is an entry in ClinVar:

ClinVar aggregate classification (germline): Uncertain significance. Review status: criteria provided, multiple submitters, no conflicts (2 of 4 stars). 3 submissions from 3 submitters: Uncertain significance (2). 1 of the submissions does not count toward it. Last evaluated 2024-10-09.

Conditions:
Sifrim-Hitz-Weiss syndrome (SIHIWES). Also called: CHD4 Neurodevelopmental Disorder; SIFRIM-HITZ-WEISS MULTIPLE CONGENITAL ANOMALIES-MENTAL RETARDATION SYNDROME. Identifiers: Orphanet 653712, MedGen C4310688, MONDO:0014946, OMIM 617159.

Allele frequency attached by ClinVar (database versions not stated): gnomAD exomes 0.00001; TOPMed 0.00002.

Submissions (3):

Labcorp Genetics (formerly Invitae), Labcorp
Classification: Uncertain significance. Last evaluated: 2024-10-09. Review status: criteria provided, single submitter. Criteria: Invitae Variant Classification Sherloc (09022015). Collection method: clinical testing. Allele origin: germline.
Comment: This sequence change replaces threonine, which is neutral and polar, with alanine, which is neutral and non-polar, at codon 1586 of the CHD4 protein (p.Thr1586Ala). This variant is present in population databases (no rsID available, gnomAD 0.003%). This variant has not been reported in the literature in individuals affected with CHD4-related conditions. ClinVar contains an entry for this variant (Variation ID: 1049384). Invitae Evidence Modeling of protein sequence and biophysical properties (such as structural, functional, and spatial information, amino acid conservation, physicochemical variation, residue mobility, and thermodynamic stability) indicates that this missense variant is not expected to disrupt CHD4 protein function with a negative predictive value of 80%. In summary, the available evidence is currently insufficient to determine the role of this variant in disease. Therefore, it has been classified as a Variant of Uncertain Significance.

Foundation for Research in Genetics and Endocrinology, FRIGE's Institute of Human Genetics
Classification: Uncertain significance for Sifrim-Hitz-Weiss syndrome. Last evaluated: 2023-01-30. Review status: criteria provided, single submitter. Criteria: ACMG Guidelines, 2015. Collection method: clinical testing. Allele origin: germline. Inheritance: Autosomal dominant inheritance. Affected: yes. Observed: 1 heterozygote.
Comment: A heterozygous missense variation in exon 32 of the CHD4 gene that results in the amino acid substitution of Alanine for Threonine at codon 1586 (p.Thr1586Ala) was detected. This variant has not been reported in the 1000 genomes and gnomAD databases. The reference codon is conserved across species. In summary, the variant meets our criteria to be classified as a variant of uncertain significance.

Department of Pathology and Laboratory Medicine, Sinai Health System
Classification: Uncertain significance. Review status: no assertion criteria provided. Collection method: clinical testing. Allele origin: unknown. Affected: yes. Study: The Canadian Open Genetics Repository (COGR). Not counted in ClinVar's aggregate classification.
Comment: The CHD4 p.T1586A variant was not identified in the literature nor was it identified in ClinVar.Â¬â€ The variant was identified in dbSNP (ID: rs1366977058) and in control databases in 2 of 251428 chromosomes at a frequency of 0.000007955 (Genome Aggregation Database March 6, 2019, v2.1.1). The p.T1586 residue is not conserved in mammals and computational analyses (MUT Assesor, SIFT, MutationTaster, Revel, FATHMM, MetaLR, DANN) do not suggest a high likelihood of impact to the protein; however this information is not predictive enough to rule out pathogenicity. The variant occurs outside of the splicing consensus sequence and in silico or computational prediction software programs (Splice AI exome) do not predict a difference in splicing. In summary, based on the above information the clinical significance of this variant cannot be determined with certainty at this time. This variant is classified as a variant of uncertain significance.

NM_001273.5(CHD4):c.4756A>G (p.Thr1586Ala)

Genes: CHD4-AS1 (CHD4 antisense RNA 1; plus strand), CHD4 (chromodomain helicase DNA binding protein 4; minus strand). Cytogenetic location: 12p13.31.
Variant type: single nucleotide variant.
Coding change: c.4756A>G on transcript NM_001273.5 (MANE Select); coding-DNA position 4756, A replaced by G.
Protein change: p.Thr1586Ala; replaces threonine 1586 with alanine.
Molecular consequence: missense variant.
Genome position (GRCh38, 1-based): chr12:6,581,314, T>C on the plus strand (A>G on the coding strand, the complement: CHD4 is on the minus strand). VCF-style: chr12-6581314-T-C. GRCh37 (hg19) VCF-style: chr12-6690480-T-C.
Other names: p.Thr1586Ala; c.4735A>G, p.Thr1579Ala (NM_001297553.2); c.4717A>G, p.Thr1573Ala (NM_001363606.2); short protein forms T1573A, T1579A, T1586A.
Identifiers: ClinVar variation 1049384 (VCV001049384.5), dbSNP rs1366977058, ClinGen allele CA383570840.